The following is an entry in ClinVar:

ClinVar aggregate classification (germline): Uncertain significance. Review status: criteria provided, multiple submitters, no conflicts (2 of 4 stars). 3 submissions from 3 submitters: Uncertain significance (3). Last evaluated 2025-06-18.

Conditions:
Inborn genetic diseases. Identifiers: MedGen C0950123, MeSH D030342.

Allele frequency attached by ClinVar (database versions not stated): gnomAD 0.00001; gnomAD exomes 0.00004; TOPMed 0.00004.
gnomAD v4.1: 25 of 1,613,956 alleles (0.0015%); highest among the groups gnomAD compares: Admixed American, 0.0033%; no homozygotes.

Submissions (3):

Ambry Genetics
Classification: Uncertain significance for Inborn genetic diseases. Last evaluated: 2025-06-18. Review status: criteria provided, single submitter. Criteria: Ambry Variant Classification Scheme 2023. Collection method: clinical testing. Allele origin: germline.

Blueprint Genetics
Classification: Uncertain significance. Last evaluated: 2024-11-21. Review status: criteria provided, single submitter. Criteria: ACMG Guidelines, 2015. Collection method: clinical testing. Allele origin: germline.

Labcorp Genetics (formerly Invitae), Labcorp
Classification: Uncertain significance. Last evaluated: 2023-12-13. Review status: criteria provided, single submitter. Criteria: Invitae Variant Classification Sherloc (09022015). Collection method: clinical testing. Allele origin: germline.
Comment: This sequence change replaces glycine, which is neutral and non-polar, with glutamic acid, which is acidic and polar, at codon 802 of the EPRS protein (p.Gly802Glu). This variant is present in population databases (no rsID available, gnomAD 0.003%). This variant has not been reported in the literature in individuals affected with EPRS-related conditions. ClinVar contains an entry for this variant (Variation ID: 1947265). An algorithm developed to predict the effect of missense changes on protein structure and function (PolyPhen-2) suggests that this variant¬†is likely to be tolerated. In summary, the available evidence is currently insufficient to determine the role of this variant in disease. Therefore, it has been classified as a Variant of Uncertain Significance.

NM_004446.3(EPRS1):c.2405G>A (p.Gly802Glu)

Gene: EPRS1 (glutamyl-prolyl-tRNA synthetase 1; minus strand). Cytogenetic location: 1q41.
Variant type: single nucleotide variant.
Coding change: c.2405G>A on transcript NM_004446.3 (MANE Select); coding-DNA position 2405, G replaced by A.
Protein change: p.Gly802Glu; replaces glycine 802 with glutamic acid.
Molecular consequence: missense variant.
Genome position (GRCh38, 1-based): chr1:219,997,119, C>T on the plus strand (G>A on the coding strand, the complement: EPRS1 is on the minus strand). VCF-style: chr1-219997119-C-T. GRCh37 (hg19) VCF-style: chr1-220170461-C-T.
Other names: c.2405G>A (NM_004446.2); short protein forms G802E.
Identifiers: ClinVar variation 1947265 (VCV001947265.7), dbSNP rs909791073, ClinGen allele CA37554820.